The following is an entry in ClinVar:

ClinVar aggregate classification (germline): Uncertain significance (1 of 4 stars; one submission).

Conditions:
Fanconi anemia (FA). Also called: Fanconi's anemia. Identifiers: Orphanet 84, MedGen C0015625, MeSH D005199, MONDO:0019391.

gnomAD v4.1: 1 of 1,612,266 alleles (0.000062%); highest among the groups gnomAD compares: Non-Finnish European, 0.000085%; no homozygotes.

Submission:

Labcorp Genetics (formerly Invitae), Labcorp
Classification: Uncertain significance for Fanconi anemia. Last evaluated: 2023-06-25. Review status: criteria provided, single submitter. Criteria: Invitae Variant Classification Sherloc (09022015). Collection method: clinical testing. Allele origin: germline.
Comment: In summary, the available evidence is currently insufficient to determine the role of this variant in disease. Therefore, it has been classified as a Variant of Uncertain Significance. Algorithms developed to predict the effect of missense changes on protein structure and function output the following: SIFT: "Not Available"; PolyPhen-2: "Benign"; Align-GVGD: "Not Available". The serine amino acid residue is found in multiple mammalian species, which suggests that this missense change does not adversely affect protein function. This variant has not been reported in the literature in individuals affected with SLX4-related conditions. This variant is present in population databases (no rsID available, gnomAD 0.0009%). This sequence change replaces alanine, which is neutral and non-polar, with serine, which is neutral and polar, at codon 1027 of the SLX4 protein (p.Ala1027Ser).

NM_032444.4(SLX4):c.3079G>T (p.Ala1027Ser)

Gene: SLX4 (SLX4 structure-specific endonuclease subunit; minus strand). Cytogenetic location: 16p13.3.
Variant type: single nucleotide variant.
Coding change: c.3079G>T on transcript NM_032444.4 (MANE Select); coding-DNA position 3079, G replaced by T.
Protein change: p.Ala1027Ser; replaces alanine 1027 with serine.
Molecular consequence: missense variant.
Genome position (GRCh38, 1-based): chr16:3,590,559, C>A on the plus strand (G>T on the coding strand, the complement: SLX4 is on the minus strand). VCF-style: chr16-3590559-C-A. GRCh37 (hg19) VCF-style: chr16-3640560-C-A.
Other names: short protein forms A1027S.
Identifiers: ClinVar variation 2963216 (VCV002963216.3), dbSNP rs199991212, ClinGen allele CA394522111.
Genomic context (GRCh38, chr16:3,590,559, plus strand): 5'-CGCGGGGACTCCCGCCCTGGGGAGGCCCCAATAGGAAGCGGCACGGGTGCGGTGGAGATG[C>A]CTGCCAGGGAGCCAGGCGATGAGAAACCTCCAGCCCCCTTTCCCTGACAGCGCCACTTTG-3'
Protein context (NP_115820.2, residues 1017-1037): EVSHRLAPWQ[Ala1027Ser]SPPHPCRFLL